The following is an entry in ClinVar:

NM_001267550.2(TTN):c.81672C>T (p.Asn27224=)

Genes: TTN-AS1 (TTN antisense RNA 1; plus strand), TTN (titin; minus strand). Cytogenetic location: 2q31.2.
Variant type: single nucleotide variant.
Coding change: c.81672C>T on transcript NM_001267550.2 (MANE Select); coding-DNA position 81672, C replaced by T.
Protein change: p.Asn27224=; no amino-acid change (asparagine 27224 retained).
Molecular consequence: synonymous variant.
Genome position (GRCh38, 1-based): chr2:178,564,460, G>A on the plus strand (C>T on the coding strand, the complement: TTN is on the minus strand). VCF-style: chr2-178564460-G-A. GRCh37 (hg19) VCF-style: chr2-179429187-G-A.
Other names: c.76749C>T, p.Asn25583= (NM_001256850.1); c.54477C>T, p.Asn18159= (NM_003319.4); c.73968C>T, p.Asn24656= (NM_133378.4); c.54852C>T, p.Asn18284= (NM_133432.3); c.55053C>T, p.Asn18351= (NM_133437.4).
Identifiers: ClinVar variation 1085390 (VCV001085390.12), dbSNP rs767422816, ClinGen allele CA1989172.

ClinVar aggregate classification (germline): Likely benign. Review status: criteria provided, multiple submitters, no conflicts (2 of 4 stars). 3 submissions from 3 submitters: Likely benign (3). Last evaluated 2026-07-01.

Conditions:
Dilated cardiomyopathy 1G (CMD1G). Identifiers: Orphanet 154, MedGen C1858763, MONDO:0011400, OMIM 604145.
Autosomal recessive limb-girdle muscular dystrophy type 2J (LGMDR10). Also called: Limb-girdle muscular dystrophy, type 2J; MUSCULAR DYSTROPHY, LIMB-GIRDLE, AUTOSOMAL RECESSIVE 10. Identifiers: Orphanet 140922, MedGen C1837342, MONDO:0012127, OMIM 608807.
Cardiovascular phenotype. Identifiers: MedGen CN230736.
TTN-related disorder. Also called: TTN-related disorders; TTN-related condition; TTN-related disease.

Allele frequency attached by ClinVar (database versions not stated): gnomAD exomes 0.00003 and 0.00005; ExAC 0.00004; gnomAD 0.00004; TOPMed 0.00005.
gnomAD v4.1: 76 of 1,612,050 alleles (0.0047%); highest among the groups gnomAD compares: Middle Eastern, 0.016%; no homozygotes.

Submissions (3):

PreventionGenetics, part of Exact Sciences
Classification: Likely benign for TTN-related condition. Last evaluated: 2026-07-01. Review status: criteria provided, single submitter. Criteria: ACMG Guidelines, 2015. Collection method: clinical testing. Allele origin: germline.
Comment: This variant is classified as likely benign based on ACMG/AMP sequence variant interpretation guidelines (Richards et al. 2015 PMID: 25741868, with internal and published modifications).

Labcorp Genetics (formerly Invitae), Labcorp
Classification: Likely benign for Dilated cardiomyopathy 1G; Autosomal recessive limb-girdle muscular dystrophy type 2J. Last evaluated: 2026-01-05. Review status: criteria provided, single submitter. Criteria: Invitae Variant Classification Sherloc (09022015). Collection method: clinical testing. Allele origin: germline.

Ambry Genetics
Classification: Likely benign for Cardiovascular phenotype. Last evaluated: 2020-11-15. Review status: criteria provided, single submitter. Criteria: Ambry Variant Classification Scheme 2023. Collection method: clinical testing. Allele origin: germline.